The following is an entry in ClinVar:

ClinVar aggregate classification (germline): Uncertain significance. Review status: criteria provided, multiple submitters, no conflicts (2 of 4 stars). 3 submissions from 3 submitters: Uncertain significance (3). Last evaluated 2025-02-27.

Conditions:
Abdominal obesity-metabolic syndrome 3 (AOMS3). Also called: CENTRAL OBESITY, TYPE 2 DIABETES, HYPERTENSION, AND EARLY-ONSET CORONARY ARTERY DISEASE. Identifiers: MedGen C4014361, MONDO:0014352, OMIM 615812.
Inborn genetic diseases. Identifiers: MedGen C0950123, MeSH D030342.

Allele frequency attached by ClinVar (database versions not stated): TOPMed 0.00001.
gnomAD v4.1: 12 of 1,520,316 alleles (0.00079%); highest among the groups gnomAD compares: African/African-American, 0.0042%; no homozygotes.

Submissions (3):

Ambry Genetics
Classification: Uncertain significance for Inborn genetic diseases. Last evaluated: 2025-02-27. Review status: criteria provided, single submitter. Criteria: Ambry Variant Classification Scheme 2023. Collection method: clinical testing. Allele origin: germline.

Genomic Medicine Center of Excellence, King Faisal Specialist Hospital and Research Centre
Classification: Uncertain significance for Abdominal obesity-metabolic syndrome 3. Last evaluated: 2024-09-22. Review status: criteria provided, single submitter. Criteria: ACMG Guidelines, 2015. Collection method: clinical testing. Allele origin: germline.

Baylor Genetics
Classification: Uncertain significance for Abdominal obesity-metabolic syndrome 3. Last evaluated: 2020-06-03. Review status: criteria provided, single submitter. Criteria: ACMG Guidelines, 2015. Collection method: clinical testing. Allele origin: unknown. Affected: yes.
Comment: This variant was determined to be of uncertain significance according to ACMG Guidelines, 2015 [PMID:25741868].

NM_004714.3(DYRK1B):c.1541G>A (p.Arg514Gln)

Gene: DYRK1B (dual specificity tyrosine phosphorylation regulated kinase 1B; minus strand). Cytogenetic location: 19q13.2.
Variant type: single nucleotide variant.
Coding change: c.1541G>A on transcript NM_004714.3 (MANE Select); coding-DNA position 1541, G replaced by A.
Protein change: p.Arg514Gln; replaces arginine 514 with glutamine.
Molecular consequence: missense variant.
Genome position (GRCh38, 1-based): chr19:39,826,064, C>T on the plus strand (G>A on the coding strand, the complement: DYRK1B is on the minus strand). VCF-style: chr19-39826064-C-T. GRCh37 (hg19) VCF-style: chr19-40316704-C-T.
Other names: c.1421G>A, p.Arg474Gln (NM_006483.3); c.1457G>A, p.Arg486Gln (NM_006484.3); short protein forms R474Q, R486Q, R514Q.
Identifiers: ClinVar variation 1029888 (VCV001029888.3), dbSNP rs1333583026, ClinGen allele CA405821742.